The following is an entry in ClinVar:

ClinVar aggregate classification (germline): Likely benign. Review status: criteria provided, multiple submitters, no conflicts (2 of 4 stars). 2 submissions from 2 submitters: Likely benign (2). Last evaluated 2026-01-19.

Conditions:
Wilson disease (WND). Also called: Wilson's disease. Identifiers: Orphanet 905, MedGen C0019202, MONDO:0010200, OMIM 277900. Disease mechanism: loss of function.

Allele frequency attached by ClinVar (database versions not stated): gnomAD exomes 0.00001 and 0.00002; ExAC 0.00002; 1000 Genomes Project 0.00020; 1000 Genomes Project 30x 0.00031.
gnomAD v4.1: 17 of 1,614,244 alleles (0.0011%); highest among the groups gnomAD compares: East Asian, 0.013%; 1 homozygote.

Submissions (2):

Labcorp Genetics (formerly Invitae), Labcorp
Classification: Likely benign for Wilson disease. Last evaluated: 2026-01-19. Review status: criteria provided, single submitter. Criteria: Invitae Variant Classification Sherloc (09022015). Collection method: clinical testing. Allele origin: germline.

All of Us Research Program, National Institutes of Health
Classification: Likely benign for Wilson disease. Last evaluated: 2024-02-22. Review status: criteria provided, single submitter. Criteria: ACMG Guidelines, 2015. Collection method: clinical testing. Allele origin: germline. Inheritance: Autosomal recessive inheritance. Observed: 5 variant alleles, 5 heterozygotes.
Comment: This study involves interpretation of variants in research participants for the purpose of population health screening. Participant phenotype was not available at the time of variant classification. Additional details can be found in publication PMID: 35346344, PMCID: PMC8962531

NM_000053.4(ATP7B):c.2199C>T (p.Ile733=)

Gene: ATP7B (ATPase copper transporting beta; minus strand). Cytogenetic location: 13q14.3.
Variant type: single nucleotide variant.
Coding change: c.2199C>T on transcript NM_000053.4 (MANE Select); coding-DNA position 2199, C replaced by T.
Protein change: p.Ile733=; no amino-acid change (isoleucine 733 retained).
Molecular consequence: synonymous variant. On other transcripts: intron variant (2).
Genome position (GRCh38, 1-based): chr13:51,958,467, G>A on the plus strand (C>T on the coding strand, the complement: ATP7B is on the minus strand). VCF-style: chr13-51958467-G-A. GRCh37 (hg19) VCF-style: chr13-52532603-G-A.
Other names: c.1866C>T, p.Ile622= (NM_001243182.2); c.1947C>T, p.Ile649= (NM_001330579.2); c.1870-860C>T (NM_001005918.3); c.2122-860C>T (NM_001330578.2).
Identifiers: ClinVar variation 1141274 (VCV001141274.11), dbSNP rs575138257, ClinGen allele CA6989085.